The following is an entry in ClinVar:

NM_003966.3(SEMA5A):c.2943C>T (p.Leu981=)

Gene: SEMA5A (semaphorin 5A; minus strand). Cytogenetic location: 5p15.31.
Variant type: single nucleotide variant.
Coding change: c.2943C>T on transcript NM_003966.3 (MANE Select); coding-DNA position 2943, C replaced by T.
Protein change: p.Leu981=; no amino-acid change (leucine 981 retained).
Molecular consequence: synonymous variant.
Genome position (GRCh38, 1-based): chr5:9,044,535, G>A on the plus strand (C>T on the coding strand, the complement: SEMA5A is on the minus strand). VCF-style: chr5-9044535-G-A. GRCh37 (hg19) VCF-style: chr5-9044647-G-A.
Identifiers: ClinVar variation 3059430 (VCV003059430.2), dbSNP rs11741172, ClinGen allele CA3196242.

ClinVar aggregate classification (germline): Benign (0 of 4 stars; one submission).

Conditions:
SEMA5A-related disorder. Also called: SEMA5A-related condition.

Allele frequency attached by ClinVar (database versions not stated): 1000 Genomes Project 30x 0.00468; 1000 Genomes Project 0.00499; TOPMed 0.01445; ESP Exome Variant Server 0.01569.
gnomAD v4.1: 30,298 of 1,613,750 alleles (1.9%); highest among the groups gnomAD compares: Non-Finnish European, 2.3%; 398 homozygotes.

Submission:

PreventionGenetics, part of Exact Sciences
Classification: Benign for SEMA5A-related condition. Last evaluated: 2019-05-09. Review status: no assertion criteria provided. Collection method: clinical testing. Allele origin: germline.
Comment: This variant is classified as benign based on ACMG/AMP sequence variant interpretation guidelines (Richards et al. 2015 PMID: 25741868, with internal and published modifications).